The following is an entry in ClinVar:

NM_198586.3(NHLRC1):c.528C>G (p.Tyr176Ter)

Gene: NHLRC1 (NHL repeat containing E3 ubiquitin protein ligase 1; minus strand). Cytogenetic location: 6p22.3.
Variant type: single nucleotide variant.
Coding change: c.528C>G on transcript NM_198586.3 (MANE Select); coding-DNA position 528, C replaced by G.
Protein change: p.Tyr176Ter; replaces tyrosine 176 with a stop codon.
Molecular consequence: nonsense.
Genome position (GRCh38, 1-based): chr6:18,122,079, G>C on the plus strand (C>G on the coding strand, the complement: NHLRC1 is on the minus strand). VCF-style: chr6-18122079-G-C. GRCh37 (hg19) VCF-style: chr6-18122310-G-C.
Other names: short protein forms Y176*.
Identifiers: ClinVar variation 813891 (VCV000813891.1), dbSNP rs1403101337, ClinGen allele CA362827671.
Genomic context (GRCh38, chr6:18,122,079, plus strand): 5'-GCGATCGCCGGCGTCAGTGACAACCACATGGCAGTCGTTGGTGATGGTGACATCCACAGG[G>C]TACCTAATGTCTTGGGCAGCGTCCCCCTTCTCTCCAAACTGATGCGCGCATCCTCCCCCT-3'

ClinVar aggregate classification (germline): Likely pathogenic (1 of 4 stars; one submission).

Conditions:
Lafora disease. Also called: Epilepsy progressive myoclonic 2. Identifiers: Orphanet 501, MedGen C0751783, MONDO:0009697.

gnomAD v4.1: 2 of 1,614,172 alleles (0.00012%); highest among the groups gnomAD compares: Non-Finnish European, 0.000085%; no homozygotes.

Submission:

Broad Center for Mendelian Genomics, Broad Institute of MIT and Harvard
Classification: Likely pathogenic for Myoclonic epilepsy of Lafora 1. Last evaluated: 2018-12-03. Review status: criteria provided, single submitter. Criteria: ACMG Guidelines, 2015. Collection method: research. Allele origin: germline. Inheritance: Autosomal recessive inheritance. Affected: yes.
Comment: The homozygous p.Tyr176Ter variant in NHLRC1 was identified by our study in two siblings with myoclonic epilepsy of lafora. The p.Tyr176Ter variant in NHLRC1 has not been previously reported in individuals with myoclonic epilepsy of lafora and was absent from large population studies. This nonsense variant leads to a premature termination codon at position 176. This alteration occurs within the last exon and is more likely to escape nonsense mediated decay (NMD) and result in a truncated protein. Loss of function of the NHLRC1 gene is an established disease mechanism in autosomal recessive myoclonic epilepsy of lafora. In summary, although additional studies are required to fully establish its clinical significance, this variant is likely pathogenic. ACMG/AMP Criteria applied: PM2, PVS1_Strong (Richards 2015).